The following is an entry in ClinVar:

NM_000264.5(PTCH1):c.1462T>C (p.Cys488Arg)

Gene: PTCH1 (patched 1; minus strand). Cytogenetic location: 9q22.32.
Variant type: single nucleotide variant.
Coding change: c.1462T>C on transcript NM_000264.5 (MANE Select); coding-DNA position 1462, T replaced by C.
Protein change: p.Cys488Arg; replaces cysteine 488 with arginine.
Molecular consequence: missense variant. On other transcripts: non-coding transcript variant (1), intron variant (1).
Genome position (GRCh38, 1-based): chr9:95,477,588, A>G on the plus strand (T>C on the coding strand, the complement: PTCH1 is on the minus strand). VCF-style: chr9-95477588-A-G. GRCh37 (hg19) VCF-style: chr9-98239870-A-G.
Other names: c.1264T>C, p.Cys422Arg (NM_001083602.3); c.1459T>C, p.Cys487Arg (NM_001083603.3); c.1009T>C, p.Cys337Arg (NM_001083604.3, NM_001083605.3, NM_001083606.3 and 1 more transcripts); c.1347+467T>C (NM_001354918.2); short protein forms C422R, C488R, C487R, C337R.
Identifiers: ClinVar variation 428854 (VCV000428854.5), dbSNP rs1131690999, ClinGen allele CA374118459.
Genomic context (GRCh38, chr9:95,477,588, plus strand): 5'-TAAATGGCTCCTTTAGTACCTGAGTTGTTGCAGCGTTAAAGGAAATTCCGATCAATGAGC[A>G]CAGGCCCAGTCCTGCAGCCACTGACAGTGCAACCAGCAGGACGCCAGCCAGCCCCACGGC-3'
Protein context (NP_000255.2, residues 478-498): ALSVAAGLGL[Cys488Arg]SLIGISFNAA

ClinVar aggregate classification (germline): Likely pathogenic (1 of 4 stars; one submission).

Conditions:
Hereditary cancer-predisposing syndrome. Also called: Hereditary Cancer Syndrome; Neoplastic Syndromes, Hereditary; Hereditary neoplastic syndrome; Tumor predisposition. Identifiers: Orphanet 140162, MedGen C0027672, MeSH D009386, MONDO:0015356.

Submission:

Ambry Genetics
Classification: Likely pathogenic for Hereditary cancer-predisposing syndrome. Last evaluated: 2016-12-14. Review status: criteria provided, single submitter. Criteria: Ambry Variant Classification Scheme 2023. Collection method: clinical testing. Allele origin: germline.
Comment: The p.C488R variant (also known as c.1462T>C), located in coding exon 10 of the PTCH1 gene, results from a T to C substitution at nucleotide position 1462. The cysteine at codon 488 is replaced by arginine, an amino acid with highly dissimilar properties. This amino acid position is highly conserved in available vertebrate species. In addition, this alteration is predicted to be deleterious by in silico analysis. Based on the majority of available evidence to date, this variant is likely to be pathogenic.

Literature cited by the submitters: PubMed 21834049.